The following is an entry in ClinVar:

NM_014994.3(MAPKBP1):c.4375C>T (p.Arg1459Ter)

Gene: MAPKBP1 (mitogen-activated protein kinase binding protein 1; plus strand). Cytogenetic location: 15q15.1.
Variant type: single nucleotide variant.
Coding change: c.4375C>T on transcript NM_014994.3 (MANE Select); coding-DNA position 4375, C replaced by T.
Protein change: p.Arg1459Ter; replaces arginine 1459 with a stop codon.
Molecular consequence: nonsense. On other transcripts: non-coding transcript variant (2).
Genome position (GRCh38, 1-based): chr15:41,825,284, C>T. VCF-style: chr15-41825284-C-T. GRCh37 (hg19) VCF-style: chr15-42117482-C-T.
Other names: c.4393C>T, p.Arg1465Ter (NM_001128608.2); c.3544C>T, p.Arg1182Ter (NM_001265611.2); short protein forms R1465*, R1459*, R1182*.
Identifiers: ClinVar variation 374916 (VCV000374916.3), dbSNP rs1057519304, ClinGen allele CA16043973.

ClinVar aggregate classification (germline): Pathogenic. Review status: criteria provided, single submitter (1 of 4 stars). 2 submissions from 2 submitters: Pathogenic (1). 1 of the submissions does not count toward it.

Conditions:
Nephronophthisis 20 (NPHP20). Identifiers: MedGen C4310640, MONDO:0014997, OMIM 617271.

Allele frequency attached by ClinVar (database versions not stated): gnomAD exomes 0.00001; TOPMed below 0.00001; gnomAD 0.00001.
gnomAD v4.1: 10 of 1,612,074 alleles (0.00062%); highest among the groups gnomAD compares: East Asian, 0.0067%; no homozygotes.

Submissions (2):

Kasturba Medical College, Manipal, Kasturba Medical College, Manipal, Manipal Academy of Higher Education, Manipal, India
Classification: Pathogenic for Nephronophthisis 20. Review status: criteria provided, single submitter. Criteria: ACMG Guidelines, 2015. Collection method: research. Allele origin: germline. Inheritance: Autosomal recessive inheritance. Affected: yes. Observed: 1 homozygote.
Comment: Mother's sample was not available for segregation analysis. This variant is absent in homozygous state in population database gnomAD (v4.1.0) and in-house database of 3356 individuals. This variant is present in heterozygous state in ten individuals in the gnomAD (v4.1.0) and absent in our in-house database. A study by Maxence et al (2017) showed that this variant results in the formation of a truncated MAPKBP1 protein product.

OMIM
Classification: Pathogenic for NEPHRONOPHTHISIS 20. Last evaluated: 2017-05-22. Review status: no assertion criteria provided. Collection method: literature only. Allele origin: germline. Not counted in ClinVar's aggregate classification.

Literature cited by the submitters: PubMed 28089251 (cited by Kasturba Medical College, Manipal, Kasturba Medical College, Manipal, Manipal Academy of Higher Education, Manipal, India and OMIM).